The following is an entry in ClinVar:

ClinVar aggregate classification (germline): Uncertain significance (1 of 4 stars; one submission).

Conditions:
Familial thoracic aortic aneurysm and aortic dissection (TAAD). Also called: Thoracic aortic aneurysms and dissections. Identifiers: Orphanet 91387, MedGen C4707243, MONDO:0019625.

Submission:

Color Diagnostics, LLC DBA Color Health
Classification: Uncertain significance for Familial thoracic aortic aneurysm and aortic dissection. Last evaluated: 2025-05-25. Review status: criteria provided, single submitter. Criteria: ACMG Guidelines, 2015. Collection method: clinical testing. Allele origin: germline.
Comment: This missense variant replaces glutamic acid with glutamine at codon 1279 of the MYH11 protein. Computational prediction suggests that this variant may not impact protein structure and function. To our knowledge, functional studies have not been reported for this variant. This variant has not been reported in individuals affected with MYH11-related disorders in the literature. This variant has not been identified in the general population by the Genome Aggregation Database (gnomAD). The available evidence is insufficient to determine the role of this variant in disease conclusively. Therefore, this variant is classified as a Variant of Uncertain Significance.

NM_002474.3(MYH11):c.3814G>C (p.Glu1272Gln)

Gene: MYH11 (myosin heavy chain 11; minus strand). Cytogenetic location: 16p13.11.
Variant type: single nucleotide variant.
Coding change: c.3814G>C on transcript NM_002474.3 (MANE Select); coding-DNA position 3814, G replaced by C.
Protein change: p.Glu1272Gln; replaces glutamic acid 1272 with glutamine.
Molecular consequence: missense variant.
Genome position (GRCh38, 1-based): chr16:15,726,892, C>G on the plus strand (G>C on the coding strand, the complement: MYH11 is on the minus strand). VCF-style: chr16-15726892-C-G. GRCh37 (hg19) VCF-style: chr16-15820749-C-G.
Other names: c.3835G>C, p.Glu1279Gln (NM_001040113.2, NM_001040114.2); c.3814G>C, p.Glu1272Gln (NM_022844.3); short protein forms E1272Q, E1279Q.
Identifiers: ClinVar variation 4756699 (VCV004756699.1).